The following is an entry in ClinVar:

NM_152743.4(BRAT1):c.825del (p.Asp276fs)

Gene: BRAT1 (BRCA1 associated ATM activator 1; minus strand). Cytogenetic location: 7p22.3.
Variant type: Deletion.
Coding change: c.825del on transcript NM_152743.4 (MANE Select); coding-DNA position 825, one base deleted (C; older notation c.825delC).
Protein change: p.Asp276fs; shifts the reading frame from aspartic acid 276.
Molecular consequence: frameshift variant. On other transcripts: non-coding transcript variant (1).
Genome position (GRCh38, 1-based): chr7:2,543,302, G deleted on the plus strand (C on the coding strand, the reverse complement: BRAT1 is on the minus strand); the first of 2 consecutive G bases (chr7:2,543,302-2,543,303); deleting either gives the same sequence. VCF-style (leftmost placement, unchanged base first): chr7-2543301-CG-C. GRCh37 (hg19) VCF-style: chr7-2582935-CG-C.
Other names: c.825del, p.Asp276fs (NM_001350626.2); c.300del, p.Asp101fs (NM_001350627.2); short protein forms D101fs, D276fs.
Identifiers: ClinVar variation 3775429 (VCV003775429.1).

ClinVar aggregate classification (germline): Likely pathogenic (1 of 4 stars; one submission).

Conditions:
Neurodevelopmental disorder with cerebellar atrophy and with or without seizures. Identifiers: MedGen C4748032, MONDO:0020841, OMIM 618056.

Submission:

3billion
Classification: Likely pathogenic for Neurodevelopmental disorder with cerebellar atrophy and with or without seizures. Last evaluated: 2023-11-10. Review status: criteria provided, single submitter. Criteria: ACMG Guidelines, 2015. Collection method: clinical testing. Allele origin: germline. Affected: yes.
Comment: The variant is not observed in the gnomAD v2.1.1 dataset. Predicted Consequence/Location: Frameshift: predicted to result in a loss or disruption of normal protein function through nonsense-mediated decay (NMD) or protein truncation. Multiple pathogenic variants are reported downstream of the variant. Therefore, this variant is classified as Likely pathogenic according to the recommendation of ACMG/AMP guideline.